The following is an entry in ClinVar:

NM_000540.3(RYR1):c.13858G>A (p.Ala4620Thr)

Gene: RYR1 (ryanodine receptor 1; plus strand). Cytogenetic location: 19q13.2.
Variant type: single nucleotide variant.
Coding change: c.13858G>A on transcript NM_000540.3 (MANE Select); coding-DNA position 13858, G replaced by A.
Protein change: p.Ala4620Thr; replaces alanine 4620 with threonine.
Molecular consequence: missense variant.
Genome position (GRCh38, 1-based): chr19:38,572,130, G>A. VCF-style: chr19-38572130-G-A. GRCh37 (hg19) VCF-style: chr19-39062770-G-A.
Other names: c.13843G>A, p.Ala4615Thr (NM_001042723.2); short protein forms A4620T, A4615T.
Identifiers: ClinVar variation 2584885 (VCV002584885.2), dbSNP rs1490011025, ClinGen allele CA405680657.

ClinVar aggregate classification (germline): Uncertain significance (1 of 4 stars; one submission).

Conditions:
Central core myopathy (CMYO1A). Also called: Central core disease; Myopathy, central fibrillar; CONGENITAL MYOPATHY 1A, AUTOSOMAL DOMINANT, WITH SUSCEPTIBILITY TO MALIGNANT HYPERTHERMIA. Identifiers: Orphanet 597, MedGen C5830701, MONDO:0007294, OMIM 117000.

Allele frequency attached by ClinVar (database versions not stated): TOPMed below 0.00001.
gnomAD v4.1: 8 of 1,613,858 alleles (0.0005%); highest among the groups gnomAD compares: South Asian, 0.0088%; no homozygotes.

Submission:

Neuberg Centre For Genomic Medicine, NCGM
Classification: Uncertain significance for Central core myopathy. Last evaluated: 2024-02-01. Review status: criteria provided, single submitter. Criteria: ACMG Guidelines, 2015. Collection method: clinical testing. Allele origin: germline. Inheritance: Autosomal dominant inheritance.
Comment: The missense variant has not been reported previously as a pathogenic variant nor as a benign variant, to our knowledge.